The following is an entry in ClinVar:

ClinVar aggregate classification (germline): Uncertain significance (1 of 4 stars; one submission).

Conditions:
Norman-Roberts syndrome (LIS2). Also called: Lissencephaly 2 (Norman-Roberts type). Identifiers: Orphanet 89844, MedGen C0796089, MONDO:0009760, OMIM 257320.
Familial temporal lobe epilepsy 7. Identifiers: Orphanet 101046, MedGen C4225327, MONDO:0014639, OMIM 616436.

Allele frequency attached by ClinVar (database versions not stated): ExAC 0.00001; TOPMed 0.00001; gnomAD 0.00003 and 0.00005; 1000 Genomes Project 30x 0.00016; 1000 Genomes Project 0.00020.
gnomAD v4.1: 13 of 1,613,920 alleles (0.00081%); highest among the groups gnomAD compares: South Asian, 0.0055%; no homozygotes.

Submission:

Labcorp Genetics (formerly Invitae), Labcorp
Classification: Uncertain significance for Familial temporal lobe epilepsy 7; Norman-Roberts syndrome. Last evaluated: 2021-06-24. Review status: criteria provided, single submitter. Criteria: Invitae Variant Classification Sherloc (09022015). Collection method: clinical testing. Allele origin: germline.
Comment: This sequence change falls in intron 4 of the RELN gene. It does not directly change the encoded amino acid sequence of the RELN protein, but it affects a nucleotide within the consensus splice site of the intron. This variant is present in population databases (rs537314807, ExAC 0.009%). This variant has not been reported in the literature in individuals with RELN-related conditions. Nucleotide substitutions within the consensus splice site are a relatively common cause of aberrant splicing (PMID: 17576681, 9536098). Algorithms developed to predict the effect of sequence changes on RNA splicing suggest that this variant is not likely to affect RNA splicing, but this prediction has not been confirmed by published transcriptional studies. In summary, the available evidence is currently insufficient to determine the role of this variant in disease. Therefore, it has been classified as a Variant of Uncertain Significance.

Literature cited by the submitters: PubMed 17576681; PubMed 9536098.

NM_005045.4(RELN):c.544+6C>T

Gene: RELN (reelin; minus strand). Cytogenetic location: 7q22.1.
Variant type: single nucleotide variant.
Coding change: c.544+6C>T on transcript NM_005045.4 (MANE Select); 6 bases into the intron after coding-DNA position 544, C replaced by T.
Molecular consequence: intron variant.
Genome position (GRCh38, 1-based): chr7:103,776,551, G>A on the plus strand (C>T on the coding strand, the complement: RELN is on the minus strand). VCF-style: chr7-103776551-G-A. GRCh37 (hg19) VCF-style: chr7-103416998-G-A.
Other names: c.544+6C>T (NM_173054.3).
Identifiers: ClinVar variation 1000948 (VCV001000948.9), dbSNP rs537314807, ClinGen allele CA4422561.